The following is an entry in ClinVar:

NM_000548.5(TSC2):c.4106_4110del (p.Arg1369fs)

Gene: TSC2 (TSC complex subunit 2; plus strand). Cytogenetic location: 16p13.3.
Variant type: Deletion.
Coding change: c.4106_4110del on transcript NM_000548.5 (MANE Select); coding-DNA positions 4106 to 4110, 5 bases deleted (GGCCC; older notation c.4106_4110delGGCCC).
Protein change: p.Arg1369fs; shifts the reading frame from arginine 1369.
Molecular consequence: frameshift variant.
Genome position (GRCh38, 1-based): chr16:2,084,328-2,084,332, GGCCC deleted; deleting any 5 consecutive bases within chr16:2,084,326-2,084,332 gives the same sequence; the c. name uses the placement nearest the transcript's 3' end. VCF-style (leftmost placement, unchanged base first): chr16-2084325-GCCGGC-G. GRCh37 (hg19) VCF-style: chr16-2134326-GCCGGC-G.
Other names: c.3905_3909del, p.Arg1302fs (NM_001077183.3); c.4037_4041del, p.Arg1346fs (NM_001114382.3); c.3797_3801del, p.Arg1266fs (NM_001318827.2); c.3761_3765del, p.Arg1254fs (NM_001318829.2); c.3374_3378del, p.Arg1125fs (NM_001318831.2); c.3938_3942del, p.Arg1313fs (NM_001318832.2); c.3908_3912del, p.Arg1303fs (NM_001363528.2); c.3974_3978del, p.Arg1325fs (NM_001370404.1); and 1 more; short protein forms R1302fs, R1326fs, R1346fs, R1125fs, R1254fs, R1369fs, R1266fs, R1325fs.
Identifiers: ClinVar variation 567138 (VCV000567138.6), dbSNP rs1567521369, ClinGen allele CA891844194.
Genomic context (GRCh38, chr16:2,084,325, plus strand): 5'-ACGCGGAGGAGCTGGTTGGCAGGGGCATCCCCATCGAGCGAGTCGTCTCCTCGGAGGGTG[GCCGGC>G]CCTCTGTGGACCTCTCCTTCCAGCCCTCGCAGCCCCTGAGCAAGTCCAGCTCCTCTCCCG-3'

ClinVar aggregate classification (germline): Pathogenic (1 of 4 stars; one submission).

Conditions:
Tuberous sclerosis 2 (TSC2). Identifiers: Orphanet 805, MedGen C1860707, MONDO:0013199, OMIM 613254.

Submission:

Labcorp Genetics (formerly Invitae), Labcorp
Classification: Pathogenic for Tuberous sclerosis 2. Last evaluated: 2020-01-11. Review status: criteria provided, single submitter. Criteria: Invitae Variant Classification Sherloc (09022015). Collection method: clinical testing. Allele origin: germline.
Comment: For these reasons, this variant has been classified as Pathogenic. Loss-of-function variants in TSC2 are known to be pathogenic (PMID: 10205261, 17304050). This variant has not been reported in the literature in individuals with TSC2-related disease. This variant is not present in population databases (ExAC no frequency). This sequence change creates a premature translational stop signal (p.Arg1369Leufs*43) in the TSC2 gene. It is expected to result in an absent or disrupted protein product.

Literature cited by the submitters: PubMed 10205261; PubMed 17304050.